The following is an entry in ClinVar:

NM_003000.3(SDHB):c.45C>T (p.Ala15=)

Gene: SDHB (succinate dehydrogenase complex iron sulfur subunit B; minus strand). Cytogenetic location: 1p36.13.
Variant type: single nucleotide variant.
Coding change: c.45C>T on transcript NM_003000.3 (MANE Select); coding-DNA position 45, C replaced by T.
Protein change: p.Ala15=; no amino-acid change (alanine 15 retained).
Molecular consequence: synonymous variant.
Genome position (GRCh38, 1-based): chr1:17,053,975, G>A on the plus strand (C>T on the coding strand, the complement: SDHB is on the minus strand). VCF-style: chr1-17053975-G-A. GRCh37 (hg19) VCF-style: chr1-17380470-G-A.
Identifiers: ClinVar variation 825032 (VCV000825032.13), dbSNP rs764875162, ClinGen allele CA18612416.
Genomic context (GRCh38, chr1:17,053,975, plus strand): 5'-TGACTTTTCCCTCTCTGAGGCTCCAGGACTCACCTGCAGGCAGGCTCCGCCAAGGGTTGT[G>A]GCCGGCAACCGGCGCCTCAAGGAGAGGGCGACCACCGCCGCCATCTTGGCTCCTGACGTC-3'
Protein context (NP_002991.2, residues 5-25): VALSLRRRLP[Ala15=]TTLGGACLQA

ClinVar aggregate classification (germline): Benign/Likely benign. Review status: criteria provided, multiple submitters, no conflicts (2 of 4 stars). 4 submissions from 4 submitters: Benign (1); Likely benign (3). Last evaluated 2025-12-29.

Conditions:
Hereditary cancer-predisposing syndrome. Also called: Neoplastic Syndromes, Hereditary; Tumor predisposition; Hereditary Cancer Syndrome; Hereditary neoplastic syndrome. Identifiers: Orphanet 140162, MedGen C0027672, MeSH D009386, MONDO:0015356.
Pheochromocytoma/paraganglioma syndrome 4. Also called: CAROTID BODY TUMORS AND MULTIPLE EXTRAADRENAL PHEOCHROMOCYTOMAS; SDHB-Related Hereditary Paraganglioma-Pheochromocytoma Syndrome (Paragangliomas 4); SDHB-Related Hereditary Paraganglioma-Pheochromocytoma Syndrome; PARAGANGLIOMA, FAMILIAL MALIGNANT; PARAGANGLIOMAS, HEREDITARY EXTRAADRENAL; PHEOCHROMOCYTOMA, FAMILIAL EXTRAADRENAL. Identifiers: Orphanet 29072, MedGen C1861848, MONDO:0007273, OMIM 115310.
Gastrointestinal stromal tumor. Also called: Gastrointestinal stromal tumor, somatic; Gastrointestinal stroma tumor. Identifiers: Orphanet 44890, MedGen C0238198, MeSH D046152, MONDO:0011719, OMIM 606764, HP:0100723.
Pheochromocytoma. Also called: MAX-Related Hereditary Paraganglioma-Pheochromocytoma Syndrome. Identifiers: Orphanet 29072, MedGen C0031511, MONDO:0008233, OMIM 171300, HP:0002666.

Allele frequency attached by ClinVar (database versions not stated): gnomAD exomes below 0.00001.
gnomAD v4.1: 6 of 1,613,156 alleles (0.00037%); highest among the groups gnomAD compares: Admixed American, 0.0033%; no homozygotes.

Submissions (4):

Center for Genomic Medicine, Rigshospitalet, Copenhagen University Hospital
Classification: Likely benign. Last evaluated: 2025-12-29. Review status: criteria provided, single submitter. Criteria: ACMG Guidelines, 2015. Collection method: clinical testing. Allele origin: germline.

Labcorp Genetics (formerly Invitae), Labcorp
Classification: Likely benign for Gastrointestinal stromal tumor; Pheochromocytoma/paraganglioma syndrome 4; Pheochromocytoma. Last evaluated: 2025-11-05. Review status: criteria provided, single submitter. Criteria: Invitae Variant Classification Sherloc (09022015). Collection method: clinical testing. Allele origin: germline.

Myriad Genetics, Inc.
Classification: Benign for Pheochromocytoma/paraganglioma syndrome 4. Last evaluated: 2025-03-12. Review status: criteria provided, single submitter. Criteria: Myriad Autosomal Dominant, Autosomal Recessive and X-Linked Classification Criteria (2023). Collection method: clinical testing. Allele origin: unknown.
Comment: This variant is considered benign. This variant is a silent/synonymous amino acid change and it is not expected to impact splicing.

Ambry Genetics
Classification: Likely benign for Hereditary cancer-predisposing syndrome. Last evaluated: 2019-06-05. Review status: criteria provided, single submitter. Criteria: Ambry Variant Classification Scheme 2023. Collection method: clinical testing. Allele origin: germline.